The following is an entry in ClinVar:

ClinVar aggregate classification (germline): Uncertain significance (1 of 4 stars; one submission).

Submission:

Labcorp Genetics (formerly Invitae), Labcorp
Classification: Uncertain significance. Last evaluated: 2024-03-30. Review status: criteria provided, single submitter. Criteria: Invitae Variant Classification Sherloc (09022015). Collection method: clinical testing. Allele origin: germline.
Comment: This sequence change replaces alanine, which is neutral and non-polar, with threonine, which is neutral and polar, at codon 8 of the GLRX5 protein (p.Ala8Thr). This variant is not present in population databases (gnomAD no frequency). This variant has not been reported in the literature in individuals affected with GLRX5-related conditions. Algorithms developed to predict the effect of missense changes on protein structure and function output the following: SIFT: "Not Available"; PolyPhen-2: "Not Available"; Align-GVGD: "Not Available". The threonine amino acid residue is found in multiple mammalian species, which suggests that this missense change does not adversely affect protein function. In summary, the available evidence is currently insufficient to determine the role of this variant in disease. Therefore, it has been classified as a Variant of Uncertain Significance.

NM_016417.3(GLRX5):c.22G>A (p.Ala8Thr)

Gene: GLRX5 (glutaredoxin 5; plus strand). Cytogenetic location: 14q32.13.
Variant type: single nucleotide variant.
Coding change: c.22G>A on transcript NM_016417.3 (MANE Select); coding-DNA position 22, G replaced by A.
Protein change: p.Ala8Thr; replaces alanine 8 with threonine.
Molecular consequence: missense variant.
Genome position (GRCh38, 1-based): chr14:95,535,111, G>A. VCF-style: chr14-95535111-G-A. GRCh37 (hg19) VCF-style: chr14-96001448-G-A.
Other names: short protein forms A8T.
Identifiers: ClinVar variation 3671664 (VCV003671664.2).